The following is an entry in ClinVar:

ClinVar aggregate classification (germline): Uncertain significance (1 of 4 stars; one submission).

Conditions:
Hereditary spastic paraplegia 11. Also called: Spastic Paraplegia 11; Nakamura Osame syndrome; Autosomal recessive hereditary spastic paraplegia, mental impairment, and thin corpus callosum; SPASTIC PARAPLEGIA, AUTOSOMAL RECESSIVE, COMPLICATED, WITH THIN CORPUS CALLOSUM; SPASTIC PARAPLEGIA, AUTOSOMAL RECESSIVE, WITH MENTAL IMPAIRMENT AND THIN CORPUS CALLOSUM; Spastic paraplegia, mental retardation and thin corpus callosum. Identifiers: Orphanet 2822, MedGen C1858479, MONDO:0011445, OMIM 604360.

gnomAD v4.1: 1 of 1,614,204 alleles (0.000062%); no homozygotes.

Submission:

Labcorp Genetics (formerly Invitae), Labcorp
Classification: Uncertain significance for Hereditary spastic paraplegia 11. Last evaluated: 2021-11-03. Review status: criteria provided, single submitter. Criteria: Invitae Variant Classification Sherloc (09022015). Collection method: clinical testing. Allele origin: germline.
Comment: This variant is not present in population databases (gnomAD no frequency). This sequence change replaces glutamic acid, which is acidic and polar, with glycine, which is neutral and non-polar, at codon 1831 of the SPG11 protein (p.Glu1831Gly). This variant has not been reported in the literature in individuals affected with SPG11-related conditions. In summary, the available evidence is currently insufficient to determine the role of this variant in disease. Therefore, it has been classified as a Variant of Uncertain Significance. Algorithms developed to predict the effect of missense changes on protein structure and function are either unavailable or do not agree on the potential impact of this missense change (SIFT: "Tolerated"; PolyPhen-2: "Probably Damaging"; Align-GVGD: "Class C0").

NM_025137.4(SPG11):c.5492A>G (p.Glu1831Gly)

Gene: SPG11 (SPG11 vesicle trafficking associated, spatacsin; minus strand). Cytogenetic location: 15q21.1.
Variant type: single nucleotide variant.
Coding change: c.5492A>G on transcript NM_025137.4 (MANE Select); coding-DNA position 5492, A replaced by G.
Protein change: p.Glu1831Gly; replaces glutamic acid 1831 with glycine.
Molecular consequence: missense variant.
Genome position (GRCh38, 1-based): chr15:44,584,188, T>C on the plus strand (A>G on the coding strand, the complement: SPG11 is on the minus strand). VCF-style: chr15-44584188-T-C. GRCh37 (hg19) VCF-style: chr15-44876386-T-C.
Other names: c.5492A>G, p.Glu1831Gly (NM_001160227.2); short protein forms E1831G.
Identifiers: ClinVar variation 1349205 (VCV001349205.6), dbSNP rs2140946907, ClinGen allele CA392222428.